The following is an entry in ClinVar:

NC_000013.11:g.40789460C>G

Genes: SLC25A15 (solute carrier family 25 member 15; plus strand), LOC130009616 (ATAC-STARR-seq lymphoblastoid silent region 5286; plus strand). Cytogenetic location: 13q14.11.
Variant type: single nucleotide variant.
Genome position: GRCh38 VCF-style: chr13-40789460-C-G. GRCh37 (hg19) VCF-style: chr13-41363596-C-G.
Identifiers: ClinVar variation 312169 (VCV000312169.30), dbSNP rs541415883, ClinGen allele CA10639577.

ClinVar aggregate classification (germline): Benign/Likely benign. Review status: criteria provided, multiple submitters, no conflicts (2 of 4 stars). 2 submissions from 2 submitters: Benign (1); Likely benign (1). Last evaluated 2023-02-01.

Allele frequency attached by ClinVar (database versions not stated): 1000 Genomes Project 30x 0.00234; TOPMed 0.00889; gnomAD exomes 0.02727.

Submissions (2):

CeGaT Center for Human Genetics Tuebingen
Classification: Benign. Last evaluated: 2023-02-01. Review status: criteria provided, single submitter. Criteria: CeGaT Center For Human Genetics Tuebingen Variant Classification Criteria Version 2. Collection method: clinical testing. Allele origin: germline. Affected: yes. Observed: 2 variant alleles.
Comment: SLC25A15: BS1, BS2

GeneDx
Classification: Likely benign. Last evaluated: 2021-11-24. Review status: criteria provided, single submitter. Criteria: GeneDx Variant Classification Process June 2021. Collection method: clinical testing. Allele origin: germline. Affected: yes.
Comment: See Variant Classification Assertion Criteria.